The following is an entry in ClinVar:

NM_201384.3(PLEC):c.7901A>T (p.Asp2634Val)

Gene: PLEC (plectin; minus strand). Cytogenetic location: 8q24.3.
Variant type: single nucleotide variant.
Coding change: c.7901A>T on transcript NM_201384.3 (MANE Select); coding-DNA position 7901, A replaced by T.
Protein change: p.Asp2634Val; replaces aspartic acid 2634 with valine.
Molecular consequence: missense variant.
Genome position (GRCh38, 1-based): chr8:143,921,920, T>A on the plus strand (A>T on the coding strand, the complement: PLEC is on the minus strand). VCF-style: chr8-143921920-T-A. GRCh37 (hg19) VCF-style: chr8-144996088-T-A.
Other names: c.7982A>T, p.Asp2661Val (NM_000445.5); c.7859A>T, p.Asp2620Val (NM_201378.4); c.7835A>T, p.Asp2612Val (NM_201379.3); c.8312A>T, p.Asp2771Val (NM_201380.4); c.7805A>T, p.Asp2602Val (NM_201381.3); c.7901A>T, p.Asp2634Val (NM_201382.4); c.7913A>T, p.Asp2638Val (NM_201383.3); short protein forms D2634V, D2638V, D2661V, D2612V, D2771V, D2602V, D2620V.
Identifiers: ClinVar variation 1399297 (VCV001399297.9), dbSNP rs782078849, ClinGen allele CA372521265.

ClinVar aggregate classification (germline): Uncertain significance. Review status: criteria provided, multiple submitters, no conflicts (2 of 4 stars). 2 submissions from 2 submitters: Uncertain significance (2). Last evaluated 2023-02-10.

Conditions:
Epidermolysis bullosa simplex 5C, with pyloric atresia (EBS5C). Also called: PLEC-Related Epidermolysis Bullosa with Pyloric Atresia; Epidermolysis bullosa simplex with pyloric atresia; PLEC1-Related Epidermolysis Bullosa with Pyloric Atresia. Identifiers: Orphanet 158684, MedGen C2677349, MONDO:0012807, OMIM 612138.
Epidermolysis bullosa simplex with nail dystrophy (EBS5D). Identifiers: MedGen C4225309, MONDO:0014661, OMIM 616487.
Autosomal recessive limb-girdle muscular dystrophy type 2Q (LGMDR17). Also called: MUSCULAR DYSTROPHY, LIMB-GIRDLE, AUTOSOMAL RECESSIVE 17. Identifiers: Orphanet 254361, MedGen C3150989, MONDO:0013390, OMIM 613723.
Epidermolysis bullosa simplex 5B, with muscular dystrophy (EBS5B). Also called: EPIDERMOLYSIS BULLOSA SIMPLEX AND LIMB-GIRDLE MUSCULAR DYSTROPHY; Epidermolysis bullosa simplex with muscular dystrophy. Identifiers: Orphanet 257, MedGen C2931072, MONDO:0009181, OMIM 226670.
Epidermolysis bullosa simplex, Ogna type (EBS5A). Also called: Pidermolysis bullosa simplex 5A, Ogna type; EPIDERMOLYSIS BULLOSA SIMPLEX 5A, OGNA TYPE. Identifiers: Orphanet 79401, MedGen C0432317, MONDO:0007555, OMIM 131950.

Allele frequency attached by ClinVar (database versions not stated): TOPMed below 0.00001; gnomAD 0.00001.

Submissions (2):

Blueprint Genetics
Classification: Uncertain significance. Last evaluated: 2023-02-10. Review status: criteria provided, single submitter. Criteria: ACMG Guidelines, 2015. Collection method: clinical testing. Allele origin: germline.

Labcorp Genetics (formerly Invitae), Labcorp
Classification: Uncertain significance for Autosomal recessive limb-girdle muscular dystrophy type 2Q; Epidermolysis bullosa simplex, Ogna type; Epidermolysis bullosa simplex with nail dystrophy; Epidermolysis bullosa simplex 5C, with pyloric atresia; Epidermolysis bullosa simplex 5B, with muscular dystrophy. Last evaluated: 2020-11-21. Review status: criteria provided, single submitter. Criteria: Invitae Variant Classification Sherloc (09022015). Collection method: clinical testing. Allele origin: germline.
Comment: In summary, the available evidence is currently insufficient to determine the role of this variant in disease. Therefore, it has been classified as a Variant of Uncertain Significance. Algorithms developed to predict the effect of missense changes on protein structure and function are either unavailable or do not agree on the potential impact of this missense change (SIFT: "Deleterious"; PolyPhen-2: "Benign"; Align-GVGD: "Class C65"). This variant has not been reported in the literature in individuals with PLEC-related conditions. This variant is not present in population databases (ExAC no frequency). This sequence change replaces aspartic acid with valine at codon 2661 of the PLEC protein (p.Asp2661Val). The aspartic acid residue is highly conserved and there is a large physicochemical difference between aspartic acid and valine.